The following is an entry in ClinVar:

ClinVar aggregate classification (germline): Uncertain significance (1 of 4 stars; one submission).

Conditions:
Charcot-Marie-Tooth disease type 2. Also called: Charcot-Marie-Tooth type 2. Identifiers: Orphanet 64746, MedGen C0270914, MONDO:0018993.

Submission:

Labcorp Genetics (formerly Invitae), Labcorp
Classification: Uncertain significance for Charcot-Marie-Tooth disease type 2. Last evaluated: 2024-10-30. Review status: criteria provided, single submitter. Criteria: Invitae Variant Classification Sherloc (09022015). Collection method: clinical testing. Allele origin: germline.
Comment: This sequence change replaces methionine, which is neutral and non-polar, with threonine, which is neutral and polar, at codon 46 of the AARS protein (p.Met46Thr). This variant is not present in population databases (gnomAD no frequency). This variant has not been reported in the literature in individuals affected with AARS-related conditions. Invitae Evidence Modeling of protein sequence and biophysical properties (such as structural, functional, and spatial information, amino acid conservation, physicochemical variation, residue mobility, and thermodynamic stability) indicates that this missense variant is expected to disrupt AARS protein function with a positive predictive value of 95%. In summary, the available evidence is currently insufficient to determine the role of this variant in disease. Therefore, it has been classified as a Variant of Uncertain Significance.

NM_001605.3(AARS1):c.137T>C (p.Met46Thr)

Gene: AARS1 (alanyl-tRNA synthetase 1; minus strand). Cytogenetic location: 16q22.1.
Variant type: single nucleotide variant.
Coding change: c.137T>C on transcript NM_001605.3 (MANE Select); coding-DNA position 137, T replaced by C.
Protein change: p.Met46Thr; replaces methionine 46 with threonine.
Molecular consequence: missense variant.
Genome position (GRCh38, 1-based): chr16:70,282,627, A>G on the plus strand (T>C on the coding strand, the complement: AARS1 is on the minus strand). VCF-style: chr16-70282627-A-G. GRCh37 (hg19) VCF-style: chr16-70316530-A-G.
Other names: short protein forms M46T.
Identifiers: ClinVar variation 3719454 (VCV003719454.2).